The following is an entry in ClinVar:

ClinVar aggregate classification (germline): Uncertain significance. Review status: criteria provided, multiple submitters, no conflicts (2 of 4 stars). 3 submissions from 3 submitters: Uncertain significance (3). Last evaluated 2026-04-01.

Conditions:
MYH14-related disorder. Also called: MYH14-related condition.
Inborn genetic diseases. Identifiers: MedGen C0950123, MeSH D030342.

Allele frequency attached by ClinVar (database versions not stated): ExAC 0.00001; gnomAD 0.00003 and 0.00004; gnomAD exomes 0.00003 and 0.00004; TOPMed 0.00004.
gnomAD v4.1: 44 of 1,614,034 alleles (0.0027%); highest among the groups gnomAD compares: Non-Finnish European, 0.0035%; no homozygotes.

Submissions (3):

PreventionGenetics, part of Exact Sciences
Classification: Uncertain significance for MYH14-related condition. Last evaluated: 2026-04-01. Review status: criteria provided, single submitter. Criteria: ACMG Guidelines, 2015. Collection method: clinical testing. Allele origin: germline.
Comment: The MYH14 c.1558G>A variant is predicted to result in the amino acid substitution p.Val520Met. To our knowledge, this variant has not been reported in the literature. This variant is reported in 0.0096% of alleles in individuals of Ashkenazi Jewish descent in gnomAD. At this time, the clinical significance of this variant is uncertain due to the absence of conclusive functional and genetic evidence.

Ambry Genetics
Classification: Uncertain significance for Inborn genetic diseases. Last evaluated: 2024-12-12. Review status: criteria provided, single submitter. Criteria: Ambry Variant Classification Scheme 2023. Collection method: clinical testing. Allele origin: germline.

CeGaT Center for Human Genetics Tuebingen
Classification: Uncertain significance. Last evaluated: 2018-11-01. Review status: criteria provided, single submitter. Criteria: CeGaT Center For Human Genetics Tuebingen Variant Classification Criteria Version 2. Collection method: clinical testing. Allele origin: germline. Affected: yes. Observed: 2 variant alleles.

NM_001145809.2(MYH14):c.1558G>A (p.Val520Met)

Gene: MYH14 (myosin heavy chain 14; plus strand). Cytogenetic location: 19q13.33.
Variant type: single nucleotide variant.
Coding change: c.1558G>A on transcript NM_001145809.2 (MANE Select); coding-DNA position 1558, G replaced by A.
Protein change: p.Val520Met; replaces valine 520 with methionine.
Molecular consequence: missense variant.
Genome position (GRCh38, 1-based): chr19:50,249,725, G>A. VCF-style: chr19-50249725-G-A. GRCh37 (hg19) VCF-style: chr19-50752982-G-A.
Other names: c.1558G>A, p.Val520Met (NM_001077186.2); c.1534G>A, p.Val512Met (NM_024729.4); c.1534G>A (NM_024729.3); c.1558G>A (NM_001145809.1); short protein forms V512M, V520M.
Identifiers: ClinVar variation 808624 (VCV000808624.44), dbSNP rs754530741, ClinGen allele CA9592664.